The following is an entry in ClinVar:

NM_001371623.1(TCOF1):c.1614G>A (p.Val538=)

Gene: TCOF1 (treacle ribosome biogenesis factor 1; plus strand). Cytogenetic location: 5q32.
Variant type: single nucleotide variant.
Coding change: c.1614G>A on transcript NM_001371623.1 (MANE Select); coding-DNA position 1614, G replaced by A.
Protein change: p.Val538=; no amino-acid change (valine 538 retained).
Molecular consequence: synonymous variant.
Genome position (GRCh38, 1-based): chr5:150,375,464, G>A. VCF-style: chr5-150375464-G-A. GRCh37 (hg19) VCF-style: chr5-149755027-G-A.
Other names: c.1383G>A, p.Val461= (NM_000356.4, NM_001135245.2); c.1614G>A, p.Val538= (NM_001008657.3, NM_001135243.2, NM_001135244.2 and 1 more transcripts).
Identifiers: ClinVar variation 2701592 (VCV002701592.3), dbSNP rs1763547151, ClinGen allele CA447408260.

ClinVar aggregate classification (germline): Uncertain significance (1 of 4 stars; one submission).

Conditions:
Treacher Collins syndrome 1 (TCS1). Also called: TCOF1-Related Treacher Collins Syndrome. Identifiers: Orphanet 861, MedGen CN315775, MONDO:0007944, OMIM 154500.

Allele frequency attached by ClinVar (database versions not stated): TOPMed below 0.00001; gnomAD 0.00001.
gnomAD v4.1: 1 of 1,614,012 alleles (0.000062%); highest among the groups gnomAD compares: Non-Finnish European, 0.000085%; no homozygotes.

Submission:

Labcorp Genetics (formerly Invitae), Labcorp
Classification: Uncertain significance for Treacher Collins syndrome 1. Last evaluated: 2023-12-09. Review status: criteria provided, single submitter. Criteria: Invitae Variant Classification Sherloc (09022015). Collection method: clinical testing. Allele origin: germline.
Comment: This sequence change affects codon 538 of the TCOF1 mRNA. It is a 'silent' change, meaning that it does not change the encoded amino acid sequence of the TCOF1 protein. This variant is not present in population databases (gnomAD no frequency). This variant has not been reported in the literature in individuals affected with TCOF1-related conditions. Algorithms developed to predict the effect of sequence changes on RNA splicing suggest that this variant may disrupt the consensus splice site. In summary, the available evidence is currently insufficient to determine the role of this variant in disease. Therefore, it has been classified as a Variant of Uncertain Significance.